The following is an entry in ClinVar:

ClinVar aggregate classification (germline): Uncertain significance (1 of 4 stars; one submission).

gnomAD v4.1: 1 of 1,614,206 alleles (0.000062%); highest among the groups gnomAD compares: Non-Finnish European, 0.000085%; no homozygotes.

Submission:

GeneDx
Classification: Uncertain significance. Last evaluated: 2022-04-05. Review status: criteria provided, single submitter. Criteria: GeneDx Variant Classification Process June 2021. Collection method: clinical testing. Allele origin: germline. Affected: yes.
Comment: Not observed in large population cohorts (gnomAD); In silico analysis supports that this missense variant has a deleterious effect on protein structure/function; Has not been previously published as pathogenic or benign to our knowledge

NM_007118.4(TRIO):c.1607A>T (p.His536Leu)

Gene: TRIO (trio Rho guanine nucleotide exchange factor; plus strand). Cytogenetic location: 5p15.2.
Variant type: single nucleotide variant.
Coding change: c.1607A>T on transcript NM_007118.4 (MANE Select); coding-DNA position 1607, A replaced by T.
Protein change: p.His536Leu; replaces histidine 536 with leucine.
Molecular consequence: missense variant. On other transcripts: non-coding transcript variant (1).
Genome position (GRCh38, 1-based): chr5:14,316,619, A>T. VCF-style: chr5-14316619-A-T. GRCh37 (hg19) VCF-style: chr5-14316728-A-T.
Other names: short protein forms H536L.
Identifiers: ClinVar variation 1678861 (VCV001678861.2), dbSNP rs2152305881, ClinGen allele CA359227671.
Genomic context (GRCh38, chr5:14,316,619, plus strand): 5'-TGACTCCCGGCAGCTCCGATTCCCTGACAGCCTCTGCCAACTACTCCAAGGCCGTGCACC[A>T]TGTCCTGGATGTCATCCACGAGGTGCTGCACCACCAGCGGCAGCTGGAGAACATCTGGCA-3'
Protein context (NP_009049.2, residues 526-546): ASANYSKAVH[His536Leu]VLDVIHEVLH